The following is an entry in ClinVar:

ClinVar aggregate classification (germline): Uncertain significance (1 of 4 stars; one submission).

Conditions:
Gastrointestinal stromal tumor. Also called: Gastrointestinal stromal tumor, somatic; Gastrointestinal stroma tumor. Identifiers: Orphanet 44890, MedGen C0238198, MeSH D046152, MONDO:0011719, OMIM 606764, HP:0100723.

Submission:

Labcorp Genetics (formerly Invitae), Labcorp
Classification: Uncertain significance for Gastrointestinal stromal tumor. Last evaluated: 2023-12-25. Review status: criteria provided, single submitter. Criteria: Invitae Variant Classification Sherloc (09022015). Collection method: clinical testing. Allele origin: germline.
Comment: This sequence change replaces lysine, which is basic and polar, with threonine, which is neutral and polar, at codon 515 of the PDGFRA protein (p.Lys515Thr). This variant is not present in population databases (gnomAD no frequency). This variant has not been reported in the literature in individuals affected with PDGFRA-related conditions. ClinVar contains an entry for this variant (Variation ID: 1045980). Advanced modeling of protein sequence and biophysical properties (such as structural, functional, and spatial information, amino acid conservation, physicochemical variation, residue mobility, and thermodynamic stability) performed at Invitae indicates that this missense variant is not expected to disrupt PDGFRA protein function with a negative predictive value of 80%. In summary, the available evidence is currently insufficient to determine the role of this variant in disease. Therefore, it has been classified as a Variant of Uncertain Significance.

NM_006206.6(PDGFRA):c.1544A>C (p.Lys515Thr)

Gene: PDGFRA (platelet derived growth factor receptor alpha; plus strand). Cytogenetic location: 4q12.
Variant type: single nucleotide variant.
Coding change: c.1544A>C on transcript NM_006206.6 (MANE Select); coding-DNA position 1544, A replaced by C.
Protein change: p.Lys515Thr; replaces lysine 515 with threonine.
Molecular consequence: missense variant.
Genome position (GRCh38, 1-based): chr4:54,273,716, A>C. VCF-style: chr4-54273716-A-C. GRCh37 (hg19) VCF-style: chr4-55139883-A-C.
Other names: c.1544A>C, p.Lys515Thr (NM_001347827.2, NM_001347829.2); c.1619A>C, p.Lys540Thr (NM_001347828.2); c.1583A>C, p.Lys528Thr (NM_001347830.2); short protein forms K515T, K540T, K528T.
Identifiers: ClinVar variation 1045980 (VCV001045980.9), dbSNP rs1723545756, ClinGen allele CA356892783.